The following is an entry in ClinVar:

ClinVar aggregate classification (germline): Likely benign. Review status: criteria provided, multiple submitters, no conflicts (2 of 4 stars). 5 submissions from 5 submitters: Likely benign (4). 1 of the submissions does not count toward it. Last evaluated 2025-09-24.

Conditions:
KANK1-related disorder. Also called: KANK1-related condition.

Allele frequency attached by ClinVar (database versions not stated): 1000 Genomes Project 30x 0.00031; TOPMed 0.00037; ExAC 0.00039; 1000 Genomes Project 0.00040; gnomAD 0.00041 and 0.00042; ESP Exome Variant Server 0.00046.
gnomAD v4.1: 454 of 1,614,180 alleles (0.028%); highest among the groups gnomAD compares: African/African-American, 0.061%; 1 homozygote.

Submissions (5):

Labcorp Genetics (formerly Invitae), Labcorp
Classification: Likely benign. Last evaluated: 2025-09-24. Review status: criteria provided, single submitter. Criteria: Invitae Variant Classification Sherloc (09022015). Collection method: clinical testing. Allele origin: germline.

Blueprint Genetics
Classification: Likely benign. Last evaluated: 2024-11-18. Review status: criteria provided, single submitter. Criteria: ACMG Guidelines, 2015. Collection method: clinical testing. Allele origin: germline.

CeGaT Center for Human Genetics Tuebingen
Classification: Likely benign. Last evaluated: 2024-11-01. Review status: criteria provided, single submitter. Criteria: CeGaT Center For Human Genetics Tuebingen Variant Classification Criteria Version 2. Collection method: clinical testing. Allele origin: germline. Affected: yes. Observed: 2 variant alleles.
Comment: KANK1: BP4

Breakthrough Genomics
Classification: Likely benign. Review status: criteria provided, single submitter. Criteria: ACMG Guidelines, 2015. Collection method: not provided. Allele origin: germline. Inheritance: Unknown mechanism. Affected: yes.

PreventionGenetics, part of Exact Sciences
Classification: Benign for KANK1-related condition. Last evaluated: 2020-12-08. Review status: no assertion criteria provided. Collection method: clinical testing. Allele origin: germline. Not counted in ClinVar's aggregate classification.
Comment: This variant is classified as benign based on ACMG/AMP sequence variant interpretation guidelines (Richards et al. 2015 PMID: 25741868, with internal and published modifications).

NM_015158.5(KANK1):c.2825C>A (p.Ala942Asp)

Gene: KANK1 (KN motif and ankyrin repeat domains 1; plus strand). Cytogenetic location: 9p24.3.
Variant type: single nucleotide variant.
Coding change: c.2825C>A on transcript NM_015158.5 (MANE Select); coding-DNA position 2825, C replaced by A.
Protein change: p.Ala942Asp; replaces alanine 942 with aspartic acid.
Molecular consequence: missense variant. On other transcripts: non-coding transcript variant (1).
Genome position (GRCh38, 1-based): chr9:730,177, C>A. VCF-style: chr9-730177-C-A. GRCh37 (hg19) VCF-style: chr9-730177-C-A.
Other names: c.2825C>A, p.Ala942Asp (NM_001256876.3, NM_001256877.3, NM_001354331.2 and 2 more transcripts); c.2351C>A, p.Ala784Asp (NM_001354333.2, NM_001354335.2, NM_001354336.2 and 9 more transcripts); short protein forms A784D, A942D.
Identifiers: ClinVar variation 781918 (VCV000781918.26), dbSNP rs114218421, ClinGen allele CA4960627.
Genomic context (GRCh38, chr9:730,177, plus strand): 5'-CATCCCAGCCTGAGCAAGAAGTGGGGACCTCAGAAGGAAAGCCAATCAGCAGCCTGGATG[C>A]CTTCCCCACTCAGGAAGGTACGCTGTCTCCAGTGAACCTGACAGACGACCAGATCGCCGC-3'
Protein context (NP_055973.2, residues 932-952): SEGKPISSLD[Ala942Asp]FPTQEGTLSP